The following is an entry in ClinVar:

ClinVar aggregate classification (germline): Uncertain significance. Review status: criteria provided, multiple submitters, no conflicts (2 of 4 stars). 2 submissions from 2 submitters: Uncertain significance (2). Last evaluated 2024-11-07.

Conditions:
Intellectual disability-strabismus syndrome (NEDBGF). Also called: NEURODEVELOPMENTAL DISORDER WITH BRAIN ABNORMALITIES, POOR GROWTH, AND DYSMORPHIC FACIES. Identifiers: Orphanet 363528, MedGen C4750838, MONDO:0014119, OMIM 615286.

Submissions (2):

GeneDx
Classification: Uncertain significance. Last evaluated: 2024-11-07. Review status: criteria provided, single submitter. Criteria: GeneDx Variant Classification Process June 2021. Collection method: clinical testing. Allele origin: germline. Affected: yes.
Comment: Frameshift variant predicted to result in protein truncation in a gene or region of a gene for which loss of function is not a well-established mechanism of disease; Has not been previously published as pathogenic or benign to our knowledge

Institute of Human Genetics, University of Leipzig Medical Center
Classification: Uncertain significance for Intellectual disability-strabismus syndrome. Last evaluated: 2019-01-01. Review status: criteria provided, single submitter. Criteria: ACMG Guidelines, 2015. Collection method: clinical testing. Allele origin: unknown. Affected: yes.

NM_138422.4(ADAT3):c.820dup (p.Gln274fs)

Genes: ADAT3 (adenosine deaminase tRNA specific 3; plus strand), SCAMP4 (secretory carrier membrane protein 4; plus strand). Cytogenetic location: 19p13.3.
Variant type: Duplication.
Coding change: c.820dup on transcript NM_138422.4 (MANE Select); coding-DNA position 820, one base duplicated (C; older notation c.820dupC).
Protein change: p.Gln274fs; shifts the reading frame from glutamine 274.
Molecular consequence: frameshift variant. On other transcripts: intron variant (3).
Genome position (GRCh38, 1-based): chr19:1,912,867, C duplicated; the last of 6 consecutive C bases (chr19:1,912,862-1,912,867); duplicating any one gives the same sequence. VCF-style (leftmost placement, unchanged base first): chr19-1912861-G-GC. GRCh37 (hg19) VCF-style: chr19-1912860-G-GC.
Other names: c.772dup, p.Gln258fs (NM_001329533.2); c.-41-2112dup (NM_079834.4, NM_001329540.2); c.-125-4827dup (NM_001329539.2); short protein forms Q258fs, Q274fs.
Identifiers: ClinVar variation 983080 (VCV000983080.4), dbSNP rs775575809, ClinGen allele CA9054616.